The following is an entry in ClinVar:

NM_001330260.2(SCN8A):c.1355C>T (p.Ala452Val)

Gene: SCN8A (sodium voltage-gated channel alpha subunit 8; plus strand). Cytogenetic location: 12q13.13.
Variant type: single nucleotide variant.
Coding change: c.1355C>T on transcript NM_001330260.2 (MANE Select); coding-DNA position 1355, C replaced by T.
Protein change: p.Ala452Val; replaces alanine 452 with valine.
Molecular consequence: missense variant.
Genome position (GRCh38, 1-based): chr12:51,706,435, C>T. VCF-style: chr12-51706435-C-T. GRCh37 (hg19) VCF-style: chr12-52100219-C-T.
Other names: c.1355C>T, p.Ala452Val (NM_001177984.3, NM_001369788.1, NM_014191.4); short protein forms A452V.
Identifiers: ClinVar variation 3677941 (VCV003677941.2).
Genomic context (GRCh38, chr12:51,706,435, plus strand): 5'-CAGTTAATTGCCCTGGTCTGGCTTCCCTGCTGTGGCTTCTTTCCTAGGCTGCTGCGATGG[C>T]CACTTCAGCAGGAACTGTCTCAGAAGATGCCATAGAGGAAGAAGGTGAAGAAGGAGGGGG-3'
Protein context (NP_001317189.1, residues 442-462): QQEEAQAAAM[Ala452Val]TSAGTVSEDA

ClinVar aggregate classification (germline): Uncertain significance (1 of 4 stars; one submission).

Conditions:
Early-infantile DEE. Also called: Ohtahara syndrome; Early infantile epileptic encephalopathy with suppression bursts; Early infantile epileptic encephalopathy. Identifiers: Orphanet 1934, MedGen C0393706, MONDO:0800491.

gnomAD v4.1: 1 of 1,587,246 alleles (0.000063%); highest among the groups gnomAD compares: Non-Finnish European, 0.000086%; no homozygotes.

Submission:

Labcorp Genetics (formerly Invitae), Labcorp
Classification: Uncertain significance for Early-infantile DEE. Last evaluated: 2024-04-25. Review status: criteria provided, single submitter. Criteria: Invitae Variant Classification Sherloc (09022015). Collection method: clinical testing. Allele origin: germline.
Comment: This sequence change replaces alanine, which is neutral and non-polar, with valine, which is neutral and non-polar, at codon 452 of the SCN8A protein (p.Ala452Val). This variant is not present in population databases (gnomAD no frequency). This variant has not been reported in the literature in individuals affected with SCN8A-related conditions. Advanced modeling of protein sequence and biophysical properties (such as structural, functional, and spatial information, amino acid conservation, physicochemical variation, residue mobility, and thermodynamic stability) performed at Invitae indicates that this missense variant is not expected to disrupt SCN8A protein function with a negative predictive value of 95%. In summary, the available evidence is currently insufficient to determine the role of this variant in disease. Therefore, it has been classified as a Variant of Uncertain Significance.